The following is an entry in ClinVar:

ClinVar aggregate classification (germline): Uncertain significance (1 of 4 stars; one submission).

Conditions:
Rhabdoid tumor predisposition syndrome 2 (RTPS2). Identifiers: Orphanet 231108, Orphanet 69077, MedGen C2750074, MONDO:0013224, OMIM 613325.

Submission:

Labcorp Genetics (formerly Invitae), Labcorp
Classification: Uncertain significance for Rhabdoid tumor predisposition syndrome 2. Last evaluated: 2022-05-30. Review status: criteria provided, single submitter. Criteria: Invitae Variant Classification Sherloc (09022015). Collection method: clinical testing. Allele origin: germline.
Comment: This sequence change replaces proline, which is neutral and non-polar, with alanine, which is neutral and non-polar, at codon 22 of the SMARCA4 protein (p.Pro22Ala). This variant is not present in population databases (gnomAD no frequency). This variant has not been reported in the literature in individuals affected with SMARCA4-related conditions. Algorithms developed to predict the effect of missense changes on protein structure and function are either unavailable or do not agree on the potential impact of this missense change (SIFT: "Deleterious"; PolyPhen-2: "Not Available"; Align-GVGD: "Class C25"). In summary, the available evidence is currently insufficient to determine the role of this variant in disease. Therefore, it has been classified as a Variant of Uncertain Significance.

NM_003072.5(SMARCA4):c.64C>G (p.Pro22Ala)

Gene: SMARCA4 (SWI/SNF related BAF chromatin remodeling complex subunit ATPase 4; plus strand). Cytogenetic location: 19p13.2.
Variant type: single nucleotide variant.
Coding change: c.64C>G on transcript NM_003072.5 (MANE Select); coding-DNA position 64, C replaced by G.
Protein change: p.Pro22Ala; replaces proline 22 with alanine.
Molecular consequence: missense variant. On other transcripts: non-coding transcript variant (1).
Genome position (GRCh38, 1-based): chr19:10,984,215, C>G. VCF-style: chr19-10984215-C-G. GRCh37 (hg19) VCF-style: chr19-11094891-C-G.
Other names: c.64C>G, p.Pro22Ala (NM_001128844.3, NM_001128845.2, NM_001128846.2 and 6 more transcripts); short protein forms P22A.
Identifiers: ClinVar variation 2000876 (VCV002000876.4), dbSNP rs2085807805, ClinGen allele CA404054042.